The following is an entry in ClinVar:

ClinVar aggregate classification (germline): Uncertain significance. Review status: criteria provided, multiple submitters, no conflicts (2 of 4 stars). 2 submissions from 2 submitters: Uncertain significance (2). Last evaluated 2026-05-19.

Conditions:
Inborn genetic diseases. Identifiers: MedGen C0950123, MeSH D030342.
Lissencephaly 9 with complex brainstem malformation. Identifiers: Orphanet 572013, MedGen C5193029, MONDO:0032677, OMIM 618325.

Allele frequency attached by ClinVar (database versions not stated): gnomAD exomes 0.00001 and below 0.00001; gnomAD 0.00001; TOPMed 0.00001; ExAC 0.00001.
gnomAD v4.1: 7 of 1,614,008 alleles (0.00043%); highest among the groups gnomAD compares: Admixed American, 0.005%; no homozygotes.

Submissions (2):

Ambry Genetics
Classification: Uncertain significance for Inborn genetic diseases. Last evaluated: 2026-05-19. Review status: criteria provided, single submitter. Criteria: Ambry Variant Classification Scheme 2023. Collection method: clinical testing. Allele origin: germline.
Comment: The c.1178C>T (p.P393L) alteration is located in exon 13 (coding exon 11) of the MACF1 gene. This alteration results from a C to T substitution at nucleotide position 1178, causing the proline (P) at amino acid position 393 to be replaced by a leucine (L). Based on data from gnomAD, the T allele has an overall frequency of <0.001% (1/251424) total alleles studied. The highest observed frequency was 0.003% (1/34582) of Latino alleles. Based on insufficient or conflicting evidence, the clinical significance of this alteration remains unclear.

New York Genome Center
Classification: Uncertain significance for Lissencephaly 9 with complex brainstem malformation. Last evaluated: 2021-02-09. Review status: criteria provided, single submitter. Criteria: NYGC Assertion Criteria 2020. Collection method: clinical testing. Allele origin: inherited. Observed: 1 heterozygote. Study: CSER-NYCKidSeq.

NM_001394062.1(MACF1):c.1163C>T (p.Pro388Leu)

Gene: MACF1 (microtubule actin crosslinking factor 1; plus strand). Cytogenetic location: 1p34.3.
Variant type: single nucleotide variant.
Coding change: c.1163C>T on transcript NM_001394062.1 (MANE Select); coding-DNA position 1163, C replaced by T.
Protein change: p.Pro388Leu; replaces proline 388 with leucine.
Molecular consequence: missense variant.
Genome position (GRCh38, 1-based): chr1:39,285,114, C>T. VCF-style: chr1-39285114-C-T. GRCh37 (hg19) VCF-style: chr1-39750786-C-T.
Other names: c.1178C>T, p.Pro393Leu (NM_012090.5); c.1178C>T (NM_012090.4); short protein forms P388L, P393L.
Identifiers: ClinVar variation 1341866 (VCV001341866.2), dbSNP rs750656239, ClinGen allele CA779375.
Genomic context (GRCh38, chr1:39,285,114, plus strand): 5'-TTTTTGGACTGAAAGAGTATCTGTTTCAGGTGTGGATTGAATTTGGCCGAATTAAACTGC[C>T]TCAAGGTTATCACCCTAATGATGTGGAAGAAGAGTGGGGAAAGCTCATCATAGAGATGCT-3'
Protein context (NP_001380991.1, residues 378-398): VWIEFGRIKL[Pro388Leu]QGYHPNDVEE